The following is an entry in ClinVar:

ClinVar aggregate classification (germline): Uncertain significance (1 of 4 stars; one submission).

Conditions:
Hereditary pheochromocytoma and paraganglioma. Also called: Hereditary Paraganglioma-Pheochromocytoma Syndromes; Hereditary pheochromocytoma-paraganglioma; Hereditary paragangliomas and pheochromocytomas. Identifiers: Orphanet 29072, MedGen C4274332, MONDO:0017366.

Submission:

Labcorp Genetics (formerly Invitae), Labcorp
Classification: Uncertain significance for Hereditary pheochromocytoma and paraganglioma. Last evaluated: 2023-08-03. Review status: criteria provided, single submitter. Criteria: Invitae Variant Classification Sherloc (09022015). Collection method: clinical testing. Allele origin: germline.
Comment: In summary, the available evidence is currently insufficient to determine the role of this variant in disease. Therefore, it has been classified as a Variant of Uncertain Significance. This variant has not been reported in the literature in individuals affected with TMEM127-related conditions. This variant is not present in population databases (gnomAD no frequency). This sequence change disrupts the translational stop signal of the TMEM127 mRNA. It is expected to extend the length of the TMEM127 protein by 33 additional amino acid residues.

NM_017849.4(TMEM127):c.717A>C (p.Ter239Tyr)

Gene: TMEM127 (transmembrane protein 127; minus strand). Cytogenetic location: 2q11.2.
Variant type: single nucleotide variant.
Coding change: c.717A>C on transcript NM_017849.4 (MANE Select); coding-DNA position 717, A replaced by C.
Protein change: p.Ter239Tyr.
Molecular consequence: stop lost.
Genome position (GRCh38, 1-based): chr2:96,253,808, T>G on the plus strand (A>C on the coding strand, the complement: TMEM127 is on the minus strand). VCF-style: chr2-96253808-T-G. GRCh37 (hg19) VCF-style: chr2-96919546-T-G.
Other names: c.717A>C, p.Ter239Tyr (NM_001193304.3); c.465A>C, p.Ter155Tyr (NM_001407282.1, NM_001407283.1).
Identifiers: ClinVar variation 2749626 (VCV002749626.3), dbSNP rs2467262445, ClinGen allele CA347650814.